The following is an entry in ClinVar:

ClinVar aggregate classification (germline): Likely benign (1 of 4 stars; one submission).

Conditions:
PKD1-related disorder. Also called: PKD1-related condition.

Submission:

PreventionGenetics, part of Exact Sciences
Classification: Likely benign for PKD1-related condition. Last evaluated: 2026-03-26. Review status: criteria provided, single submitter. Criteria: ACMG Guidelines, 2015. Collection method: clinical testing. Allele origin: germline.
Comment: This variant is classified as likely benign based on ACMG/AMP sequence variant interpretation guidelines (Richards et al. 2015 PMID: 25741868, with internal and published modifications).

NM_001009944.3(PKD1):c.-61T>C

Gene: PKD1 (polycystin 1, transient receptor potential channel interacting; minus strand). Cytogenetic location: 16p13.3.
Variant type: single nucleotide variant.
Coding change: c.-61T>C on transcript NM_001009944.3 (MANE Select); 61 bases upstream of the start codon, T replaced by C.
Molecular consequence: 5 prime UTR variant.
Genome position (GRCh38, 1-based): chr16:2,135,750, A>G on the plus strand (T>C on the coding strand, the complement: PKD1 is on the minus strand). VCF-style: chr16-2135750-A-G. GRCh37 (hg19) VCF-style: chr16-2185751-A-G.
Other names: c.-61T>C (NM_000296.4).
Identifiers: ClinVar variation 4985893 (VCV004985893.1).